The following is an entry in ClinVar:

ClinVar aggregate classification (germline): Uncertain significance (1 of 4 stars; one submission).

Allele frequency attached by ClinVar (database versions not stated): gnomAD exomes below 0.00001.
gnomAD v4.1: 3 of 1,609,802 alleles (0.00019%); highest among the groups gnomAD compares: Non-Finnish European, 0.00017%; no homozygotes.

Submission:

Labcorp Genetics (formerly Invitae), Labcorp
Classification: Uncertain significance. Last evaluated: 2024-09-14. Review status: criteria provided, single submitter. Criteria: Invitae Variant Classification Sherloc (09022015). Collection method: clinical testing. Allele origin: germline.
Comment: This sequence change replaces aspartic acid, which is acidic and polar, with asparagine, which is neutral and polar, at codon 161 of the TNFRSF11A protein (p.Asp161Asn). This variant is not present in population databases (gnomAD no frequency). This variant has not been reported in the literature in individuals affected with TNFRSF11A-related conditions. ClinVar contains an entry for this variant (Variation ID: 2163266). Invitae Evidence Modeling of protein sequence and biophysical properties (such as structural, functional, and spatial information, amino acid conservation, physicochemical variation, residue mobility, and thermodynamic stability) indicates that this missense variant is not expected to disrupt TNFRSF11A protein function with a negative predictive value of 80%. In summary, the available evidence is currently insufficient to determine the role of this variant in disease. Therefore, it has been classified as a Variant of Uncertain Significance.

NM_003839.4(TNFRSF11A):c.481G>A (p.Asp161Asn)

Gene: TNFRSF11A (TNF receptor superfamily member 11a; plus strand). Cytogenetic location: 18q21.33.
Variant type: single nucleotide variant.
Coding change: c.481G>A on transcript NM_003839.4 (MANE Select); coding-DNA position 481, G replaced by A.
Protein change: p.Asp161Asn; replaces aspartic acid 161 with asparagine.
Molecular consequence: missense variant.
Genome position (GRCh38, 1-based): chr18:62,358,301, G>A. VCF-style: chr18-62358301-G-A. GRCh37 (hg19) VCF-style: chr18-60025534-G-A.
Other names: c.481G>A, p.Asp161Asn (NM_001270949.2, NM_001270950.2, NM_001270951.2); c.439G>A, p.Asp147Asn (NM_001278268.2); short protein forms D147N, D161N.
Identifiers: ClinVar variation 2163266 (VCV002163266.4), dbSNP rs2511567143, ClinGen allele CA402613252.
Genomic context (GRCh38, chr18:62,358,301, plus strand): 5'-CTCACAGTGCAGCTCAACAAGGACACAGTGTGCAAACCTTGCCTTGCAGGCTACTTCTCT[G>A]ATGCCTTTTCCTCCACGGACAAATGCAGACCCTGGACCAAGTAAGTAACAACAAAGGAGT-3'
Protein context (NP_003830.1, residues 151-171): CKPCLAGYFS[Asp161Asn]AFSSTDKCRP